The following is an entry in ClinVar:

NC_000018.9:g.(?_28898264)_(29126706_?)del

Genes: DSG1 (desmoglein 1; plus strand), DSG2 (desmoglein 2; plus strand), DSG3 (desmoglein 3; plus strand), DSG4 (desmoglein 4; plus strand). Cytogenetic location: 18q12.1.
Variant type: Deletion.
Identifiers: ClinVar variation 3242792 (VCV003242792.1).

ClinVar aggregate classification (germline): Pathogenic (1 of 4 stars; one submission).

Submission:

Labcorp Genetics (formerly Invitae), Labcorp
Classification: Pathogenic. Last evaluated: 2023-01-30. Review status: criteria provided, single submitter. Criteria: Invitae Variant Classification Sherloc (09022015). Collection method: clinical testing. Allele origin: unknown.
Comment: For these reasons, this variant has been classified as Pathogenic. This variant has not been reported in the literature in individuals affected with DSG1-related conditions. A gross deletion of the genomic region encompassing the full coding sequence of the DSG1 gene has been identified. Loss-of-function variants in DSG1 are known to be pathogenic (PMID: 19018793, 23974871, 27534273, 27632246, 29604126). The boundaries of this event are unknown as they extend beyond the assayed region for this gene and therefore may encompass additional genes.

Literature cited by the submitters: PubMed 19018793; PubMed 23974871; PubMed 27534273; PubMed 27632246; PubMed 29604126.